The following is an entry in ClinVar:

ClinVar aggregate classification (germline): Pathogenic/Likely pathogenic. Review status: criteria provided, multiple submitters, no conflicts (2 of 4 stars). 2 submissions from 2 submitters: Pathogenic (1); Likely pathogenic (1). Last evaluated 2024-04-29.

Conditions:
RBP3-related disorder. Also called: RBP3-related condition.

Submissions (2):

Labcorp Genetics (formerly Invitae), Labcorp
Classification: Pathogenic. Last evaluated: 2024-04-29. Review status: criteria provided, single submitter. Criteria: Invitae Variant Classification Sherloc (09022015). Collection method: clinical testing. Allele origin: germline.
Comment: This sequence change creates a premature translational stop signal (p.Tyr784*) in the RBP3 gene. It is expected to result in an absent or disrupted protein product. Loss-of-function variants in RBP3 are known to be pathogenic (PMID: 9614228, 23105016, 25766589). This variant is not present in population databases (gnomAD no frequency). This variant has not been reported in the literature in individuals affected with RBP3-related conditions. ClinVar contains an entry for this variant (Variation ID: 2001031). For these reasons, this variant has been classified as Pathogenic.

Blueprint Genetics
Classification: Likely pathogenic for RBP3-related disorders. Last evaluated: 2022-09-01. Review status: criteria provided, single submitter. Criteria: ACMG Guidelines, 2015. Collection method: clinical testing. Allele origin: germline. Affected: yes. Observed: 1 variant allele.

Literature cited by the submitters: PubMed 9614228 (cited by Labcorp Genetics (formerly Invitae), Labcorp); PubMed 23105016 (cited by Labcorp Genetics (formerly Invitae), Labcorp); PubMed 25766589 (cited by Labcorp Genetics (formerly Invitae), Labcorp).

NM_002900.3(RBP3):c.2352C>A (p.Tyr784Ter)

Gene: RBP3 (retinol binding protein 3; plus strand). Cytogenetic location: 10q11.22.
Variant type: single nucleotide variant.
Coding change: c.2352C>A on transcript NM_002900.3 (MANE Select); coding-DNA position 2352, C replaced by A.
Protein change: p.Tyr784Ter; replaces tyrosine 784 with a stop codon.
Molecular consequence: nonsense.
Genome position (GRCh38, 1-based): chr10:47,350,836, C>A. VCF-style: chr10-47350836-C-A. GRCh37 (hg19) VCF-style: chr10-48388526-G-T.
Other names: short protein forms Y784*.
Identifiers: ClinVar variation 2001031 (VCV002001031.5), dbSNP rs2549029243, ClinGen allele CA376672997.